The following is an entry in ClinVar:

NM_001283009.2(RTEL1):c.3362G>A (p.Arg1121His)

Genes: RTEL1 (regulator of telomere elongation helicase 1; plus strand), RTEL1-TNFRSF6B (RTEL1-TNFRSF6B readthrough (NMD candidate); plus strand). Cytogenetic location: 20q13.33.
Variant type: single nucleotide variant.
Coding change: c.3362G>A on transcript NM_001283009.2 (MANE Select); coding-DNA position 3362, G replaced by A.
Protein change: p.Arg1121His; replaces arginine 1121 with histidine.
Molecular consequence: missense variant. On other transcripts: non-coding transcript variant (1).
Genome position (GRCh38, 1-based): chr20:63,695,084, G>A. VCF-style: chr20-63695084-G-A. GRCh37 (hg19) VCF-style: chr20-62326437-G-A.
Other names: c.2693G>A, p.Arg898His (NM_001283010.1); c.3362G>A, p.Arg1121His (NM_016434.4); c.3434G>A, p.Arg1145His (NM_032957.5); short protein forms R1121H, R1145H, R898H.
Identifiers: ClinVar variation 540937 (VCV000540937.9), dbSNP rs765060195, ClinGen allele CA317529006.

ClinVar aggregate classification (germline): Uncertain significance. Review status: criteria provided, multiple submitters, no conflicts (2 of 4 stars). 3 submissions from 3 submitters: Uncertain significance (2). 1 of the submissions does not count toward it. Last evaluated 2025-07-31.

Conditions:
Dyskeratosis congenita. Identifiers: Orphanet 1775, MedGen C0265965, MONDO:0015780.
Pulmonary fibrosis and/or bone marrow failure, Telomere-related, 3. Also called: PULMONARY FIBROSIS AND/OR BONE MARROW FAILURE SYNDROME, TELOMERE-RELATED, 3. Identifiers: Orphanet 2032, MedGen C4225346, MONDO:0014613, OMIM 616373.
Dyskeratosis congenita, autosomal recessive 5 (DKCB5). Identifiers: MedGen C3554656, MONDO:0014076, OMIM 615190.

Allele frequency attached by ClinVar (database versions not stated): gnomAD exomes 0.00001 and 0.00002; TOPMed 0.00002; gnomAD 0.00004.
gnomAD v4.1: 26 of 1,612,248 alleles (0.0016%); highest among the groups gnomAD compares: Middle Eastern, 0.017%; no homozygotes.

Submissions (3):

Labcorp Genetics (formerly Invitae), Labcorp
Classification: Uncertain significance for Dyskeratosis congenita, autosomal recessive 5; Pulmonary fibrosis and/or bone marrow failure, Telomere-related, 3. Last evaluated: 2025-07-31. Review status: criteria provided, single submitter. Criteria: Invitae Variant Classification Sherloc (09022015). Collection method: clinical testing. Allele origin: germline.
Comment: This sequence change replaces arginine, which is basic and polar, with histidine, which is basic and polar, at codon 1121 of the RTEL1 protein (p.Arg1121His). This variant is present in population databases (rs765060195, gnomAD 0.003%). This variant has not been reported in the literature in individuals affected with RTEL1-related conditions. ClinVar contains an entry for this variant (Variation ID: 540937). An algorithm developed to predict the effect of missense changes on protein structure and function (PolyPhen-2) suggests that this variant is likely to be tolerated. In summary, the available evidence is currently insufficient to determine the role of this variant in disease. Therefore, it has been classified as a Variant of Uncertain Significance.

Fulgent Genetics
Classification: Uncertain significance for Dyskeratosis congenita, autosomal recessive 5; Pulmonary fibrosis and/or bone marrow failure, Telomere-related, 3. Last evaluated: 2024-06-20. Review status: criteria provided, single submitter. Criteria: ACMG Guidelines, 2015. Collection method: clinical testing. Allele origin: germline.

Natera, Inc.
Classification: Uncertain significance for Dyskeratosis congenita. Last evaluated: 2020-08-03. Review status: no assertion criteria provided. Collection method: clinical testing. Allele origin: germline. Not counted in ClinVar's aggregate classification.